The following is an entry in ClinVar:

ClinVar aggregate classification (germline): Likely pathogenic (1 of 4 stars; one submission).

Conditions:
Fanconi anemia (FA). Also called: Fanconi's anemia. Identifiers: Orphanet 84, MedGen C0015625, MeSH D005199, MONDO:0019391.

gnomAD v4.1: 1 of 1,586,970 alleles (0.000063%); highest among the groups gnomAD compares: Non-Finnish European, 0.000087%; no homozygotes.

Submission:

Labcorp Genetics (formerly Invitae), Labcorp
Classification: Likely pathogenic for Fanconi anemia. Last evaluated: 2024-11-25. Review status: criteria provided, single submitter. Criteria: Invitae Variant Classification Sherloc (09022015). Collection method: clinical testing. Allele origin: germline.
Comment: This sequence change affects an acceptor splice site in intron 25 of the FANCD2 gene. It is expected to disrupt RNA splicing. Variants that disrupt the donor or acceptor splice site typically lead to a loss of protein function (PMID: 16199547), and loss-of-function variants in FANCD2 are known to be pathogenic (PMID: 17436244). This variant is not present in population databases (gnomAD no frequency). This variant has not been reported in the literature in individuals affected with FANCD2-related conditions. Algorithms developed to predict the effect of sequence changes on RNA splicing suggest that this variant may disrupt the consensus splice site. In summary, the currently available evidence indicates that the variant is pathogenic, but additional data are needed to prove that conclusively. Therefore, this variant has been classified as Likely Pathogenic.

Literature cited by the submitters: PubMed 16199547; PubMed 17436244.

NM_001018115.3(FANCD2):c.2386-2A>G

Genes: FANCD2 (FA complementation group D2; plus strand), LOC107303338 (3p25 FANCD2 Alu-mediated recombination region; plus strand). Cytogenetic location: 3p25.3.
Variant type: single nucleotide variant.
Coding change: c.2386-2A>G on transcript NM_001018115.3 (MANE Select); the canonical splice acceptor site of the intron before coding-DNA position 2386, A replaced by G.
Molecular consequence: splice acceptor variant.
Genome position (GRCh38, 1-based): chr3:10,067,207, A>G. VCF-style: chr3-10067207-A-G. GRCh37 (hg19) VCF-style: chr3-10108891-A-G.
Other names: c.2386-2A>G (NM_001319984.2, NM_033084.6, NM_001374254.1); c.2275-2A>G (NM_001374253.1).
Identifiers: ClinVar variation 3608274 (VCV003608274.2).
Genomic context (GRCh38, chr3:10,067,207, plus strand): 5'-AATATAAACAAGGTTAAAATCTGAACATTTGGAAGTATGAGAATGTAATTTGTACTTTGC[A>G]GATTGTAAATGCCTTCTGCCAGGAAACATCACCTGAGATGAAGGGGAAGGTGCTCACTCG-3'